The following is an entry in ClinVar:

NM_001378454.1(ALMS1):c.*4A>T

Gene: ALMS1 (ALMS1 centrosome and basal body associated protein; plus strand). Cytogenetic location: 2p13.1.
Variant type: single nucleotide variant.
Coding change: c.*4A>T on transcript NM_001378454.1 (MANE Select); 4 bases downstream of the stop codon, A replaced by T.
Molecular consequence: 3 prime UTR variant.
Genome position (GRCh38, 1-based): chr2:73,609,616, A>T. VCF-style: chr2-73609616-A-T. GRCh37 (hg19) VCF-style: chr2-73836743-A-T.
Other names: c.*4A>T (NM_015120.4).
Identifiers: ClinVar variation 4993686 (VCV004993686.1).

ClinVar aggregate classification (germline): Likely benign (1 of 4 stars; one submission).

Conditions:
ALMS1-related disorder. Also called: ALMS1-related condition.

Submission:

PreventionGenetics, part of Exact Sciences
Classification: Likely benign for ALMS1-related condition. Last evaluated: 2026-03-31. Review status: criteria provided, single submitter. Criteria: ACMG Guidelines, 2015. Collection method: clinical testing. Allele origin: germline.
Comment: This variant is classified as likely benign based on ACMG/AMP sequence variant interpretation guidelines (Richards et al. 2015 PMID: 25741868, with internal and published modifications).